The following is an entry in ClinVar:

NM_005228.5(EGFR):c.68G>A (p.Arg23Gln)

Gene: EGFR (epidermal growth factor receptor; plus strand). Cytogenetic location: 7p11.2.
Variant type: single nucleotide variant.
Coding change: c.68G>A on transcript NM_005228.5 (MANE Select); coding-DNA position 68, G replaced by A.
Protein change: p.Arg23Gln; replaces arginine 23 with glutamine.
Molecular consequence: missense variant.
Genome position (GRCh38, 1-based): chr7:55,019,345, G>A. VCF-style: chr7-55019345-G-A. GRCh37 (hg19) VCF-style: chr7-55087038-G-A.
Other names: c.68G>A, p.Arg23Gln (NM_001346897.2, NM_001346898.2, NM_001346899.2 and 4 more transcripts); short protein forms R23Q.
Identifiers: ClinVar variation 2078194 (VCV002078194.4), dbSNP rs1786374080, ClinGen allele CA367611280.
Genomic context (GRCh38, chr7:55,019,345, plus strand): 5'-CCTCCGGGACGGCCGGGGCAGCGCTCCTGGCGCTGCTGGCTGCGCTCTGCCCGGCGAGTC[G>A]GGCTCTGGAGGAAAAGAAAGGTAAGGGCGTGTCTCGCCGGCTCCCGCGCCGCCCCCGGAT-3'
Protein context (NP_005219.2, residues 13-33): ALLAALCPAS[Arg23Gln]ALEEKKVCQG

ClinVar aggregate classification (germline): Uncertain significance (1 of 4 stars; one submission).

Conditions:
EGFR-related lung cancer (EGFR). Identifiers: MedGen CN130014.

Submission:

Labcorp Genetics (formerly Invitae), Labcorp
Classification: Uncertain significance for EGFR-related lung cancer. Last evaluated: 2025-10-06. Review status: criteria provided, single submitter. Criteria: Invitae Variant Classification Sherloc (09022015). Collection method: clinical testing. Allele origin: germline.
Comment: This sequence change replaces arginine, which is basic and polar, with glutamine, which is neutral and polar, at codon 23 of the EGFR protein (p.Arg23Gln). This variant is not present in population databases (gnomAD no frequency). This variant has not been reported in the literature in individuals affected with EGFR-related conditions. ClinVar contains an entry for this variant (Variation ID: 2078194). An algorithm developed to predict the effect of missense changes on protein structure and function (PolyPhen-2) suggests that this variant is likely to be tolerated. In summary, the available evidence is currently insufficient to determine the role of this variant in disease. Therefore, it has been classified as a Variant of Uncertain Significance.